The following is an entry in ClinVar:

ClinVar aggregate classification (germline): Uncertain significance. Review status: criteria provided, multiple submitters, no conflicts (2 of 4 stars). 2 submissions from 2 submitters: Uncertain significance (2). Last evaluated 2022-04-10.

Conditions:
Osteogenesis imperfecta (OI). Identifiers: Orphanet 666, MedGen C0029434, MeSH D010013, MONDO:0019019.

Allele frequency attached by ClinVar (database versions not stated): gnomAD exomes 0.00003 and 0.00005; ExAC 0.00005; gnomAD 0.00006; TOPMed 0.00006; ESP Exome Variant Server 0.00008.

Submissions (2):

Labcorp Genetics (formerly Invitae), Labcorp
Classification: Uncertain significance. Last evaluated: 2022-04-10. Review status: criteria provided, single submitter. Criteria: Invitae Variant Classification Sherloc (09022015). Collection method: clinical testing. Allele origin: germline.
Comment: This sequence change replaces arginine, which is basic and polar, with histidine, which is basic and polar, at codon 585 of the BMP1 protein (p.Arg585His). This variant is present in population databases (rs370064009, gnomAD 0.06%). This variant has not been reported in the literature in individuals affected with BMP1-related conditions. Algorithms developed to predict the effect of missense changes on protein structure and function are either unavailable or do not agree on the potential impact of this missense change (SIFT: "Deleterious"; PolyPhen-2: "Benign"; Align-GVGD: "Class C25"). In summary, the available evidence is currently insufficient to determine the role of this variant in disease. Therefore, it has been classified as a Variant of Uncertain Significance.

Genome Diagnostics Laboratory, The Hospital for Sick Children
Classification: Uncertain significance for Osteogenesis imperfecta. Last evaluated: 2021-11-17. Review status: criteria provided, single submitter. Criteria: ACMG Guidelines, 2015. Collection method: clinical testing. Allele origin: germline.

NM_006129.5(BMP1):c.1754G>A (p.Arg585His)

Genes: BMP1 (bone morphogenetic protein 1; plus strand), LOC113788269 (BRD4-independent group 4 enhancer GRCh37_chr8:22052064-22053263; plus strand). Cytogenetic location: 8p21.3.
Variant type: single nucleotide variant.
Coding change: c.1754G>A on transcript NM_006129.5 (MANE Select); coding-DNA position 1754, G replaced by A.
Protein change: p.Arg585His; replaces arginine 585 with histidine.
Molecular consequence: missense variant. On other transcripts: non-coding transcript variant (2).
Genome position (GRCh38, 1-based): chr8:22,195,576, G>A. VCF-style: chr8-22195576-G-A. GRCh37 (hg19) VCF-style: chr8-22053089-G-A.
Other names: c.1754G>A, p.Arg585His (NM_001199.4); short protein forms R585H.
Identifiers: ClinVar variation 1440296 (VCV001440296.10), dbSNP rs370064009, ClinGen allele CA4664773.